The following is an entry in ClinVar:

NM_000179.3(MSH6):c.3848T>C (p.Ile1283Thr)

Gene: MSH6 (mutS homolog 6; plus strand). Cytogenetic location: 2p16.3.
Variant type: single nucleotide variant.
Coding change: c.3848T>C on transcript NM_000179.3 (MANE Select); coding-DNA position 3848, T replaced by C.
Protein change: p.Ile1283Thr; replaces isoleucine 1283 with threonine.
Molecular consequence: missense variant.
Genome position (GRCh38, 1-based): chr2:47,806,498, T>C. VCF-style: chr2-47806498-T-C. GRCh37 (hg19) VCF-style: chr2-48033637-T-C.
Other names: c.3458T>C, p.Ile1153Thr (NM_001281492.2); c.2942T>C, p.Ile981Thr (NM_001281493.2, NM_001281494.2); short protein forms I1283T, I1153T, I981T.
Identifiers: ClinVar variation 491966 (VCV000491966.9), dbSNP rs1180903149, ClinGen allele CA346761305.
Genomic context (GRCh38, chr2:47,806,498, plus strand): 5'-TTTTCTTTCTTAAGGCATGCATGGTAGAAAATGAATGTGAAGACCCCAGCCAGGAGACTA[T>C]TACGTTCCTCTATAAATTCATTAAGGGAGCTTGTCCTAAAAGCTATGGCTTTAATGCAGC-3'
Protein context (NP_000170.1, residues 1273-1293): NECEDPSQET[Ile1283Thr]TFLYKFIKGA

ClinVar aggregate classification (germline): Uncertain significance. Review status: criteria provided, multiple submitters, no conflicts (2 of 4 stars). 3 submissions from 3 submitters: Uncertain significance (3). Last evaluated 2024-05-10.

Conditions:
Hereditary cancer-predisposing syndrome. Also called: Hereditary neoplastic syndrome; Tumor predisposition; Hereditary Cancer Syndrome; Neoplastic Syndromes, Hereditary. Identifiers: Orphanet 140162, MedGen C0027672, MeSH D009386, MONDO:0015356.

Allele frequency attached by ClinVar (database versions not stated): TOPMed below 0.00001.
gnomAD v4.1: 1 of 1,614,098 alleles (0.000062%); highest among the groups gnomAD compares: Non-Finnish European, 0.000085%; no homozygotes.

Submissions (3):

Ambry Genetics
Classification: Uncertain significance for Hereditary cancer-predisposing syndrome. Last evaluated: 2024-05-10. Review status: criteria provided, single submitter. Criteria: Ambry Variant Classification Scheme 2023. Collection method: clinical testing. Allele origin: germline.
Comment: The p.I1283T variant (also known as c.3848T>C), located in coding exon 9 of the MSH6 gene, results from a T to C substitution at nucleotide position 3848. The isoleucine at codon 1283 is replaced by threonine, an amino acid with similar properties. This amino acid position is highly conserved in available vertebrate species. In addition, this alteration is predicted to be deleterious by in silico analysis. Based on the available evidence, the clinical significance of this variant remains unclear.

Color Diagnostics, LLC DBA Color Health
Classification: Uncertain significance for Hereditary cancer-predisposing syndrome. Last evaluated: 2024-03-06. Review status: criteria provided, single submitter. Criteria: ACMG Guidelines, 2015. Collection method: clinical testing. Allele origin: germline.
Comment: This missense variant replaces isoleucine with threonine at codon 1283 of the MSH6 protein. Computational prediction suggests that this variant may have deleterious impact on protein structure and function (internally defined REVEL score threshold >= 0.7, PMID: 27666373). To our knowledge, functional studies have not been reported for this variant. This variant has not been reported in individuals affected with hereditary cancer in the literature. This variant has not been identified in the general population by the Genome Aggregation Database (gnomAD). The available evidence is insufficient to determine the role of this variant in disease conclusively. Therefore, this variant is classified as a Variant of Uncertain Significance.

GeneDx
Classification: Uncertain significance. Last evaluated: 2019-10-30. Review status: criteria provided, single submitter. Criteria: GeneDx Variant Classification Process June 2021. Collection method: clinical testing. Allele origin: germline. Affected: yes.
Comment: Not observed in large population cohorts (Lek 2016); In silico analysis, which includes protein predictors and evolutionary conservation, supports a deleterious effect; Has not been previously published as pathogenic or benign to our knowledge